The following is an entry in ClinVar:

ClinVar aggregate classification (germline): Likely benign. Review status: criteria provided, multiple submitters, no conflicts (2 of 4 stars). 2 submissions from 2 submitters: Likely benign (2). Last evaluated 2026-07-01.

Allele frequency attached by ClinVar (database versions not stated): gnomAD exomes 0.00009 and 0.00018; gnomAD 0.00012 and 0.00013; ExAC 0.00014; TOPMed 0.00014; ESP Exome Variant Server 0.00015.
gnomAD v4.1: 155 of 1,614,028 alleles (0.0096%); highest among the groups gnomAD compares: Admixed American, 0.033%; 2 homozygotes.

Submissions (2):

CeGaT Center for Human Genetics Tuebingen
Classification: Likely benign. Last evaluated: 2026-07-01. Review status: criteria provided, single submitter. Criteria: CeGaT Center For Human Genetics Tuebingen Variant Classification Criteria Version 2. Collection method: clinical testing. Allele origin: germline. Affected: yes. Observed: 1 variant allele.
Comment: STAMBP: BP4, BP7

Labcorp Genetics (formerly Invitae), Labcorp
Classification: Likely benign. Last evaluated: 2025-11-19. Review status: criteria provided, single submitter. Criteria: Invitae Variant Classification Sherloc (09022015). Collection method: clinical testing. Allele origin: germline.

NM_213622.4(STAMBP):c.183C>T (p.Ile61=)

Genes: STAMBP (STAM binding protein; plus strand), LOC126806253 (CDK7 strongly-dependent group 2 enhancer GRCh37_chr2:74057585-74058784; plus strand). Cytogenetic location: 2p13.1.
Variant type: single nucleotide variant.
Coding change: c.183C>T on transcript NM_213622.4 (MANE Select); coding-DNA position 183, C replaced by T.
Protein change: p.Ile61=; no amino-acid change (isoleucine 61 retained).
Molecular consequence: synonymous variant. On other transcripts: 5 prime UTR variant (5), non-coding transcript variant (4), intron variant (1).
Genome position (GRCh38, 1-based): chr2:73,831,039, C>T. VCF-style: chr2-73831039-C-T. GRCh37 (hg19) VCF-style: chr2-74058166-C-T.
Other names: c.183C>T, p.Ile61= (NM_001353967.2, NM_001353968.2, NM_001353969.2 and 3 more transcripts); c.-371C>T (NM_001353971.2, NM_001353973.2, NM_001353974.2 and 2 more transcripts); c.-203+2043C>T (NM_001353972.2).
Identifiers: ClinVar variation 711304 (VCV000711304.10), dbSNP rs202201322, ClinGen allele CA1717449.